The following is an entry in ClinVar:

ClinVar aggregate classification (germline): Uncertain significance. Review status: criteria provided, multiple submitters, no conflicts (2 of 4 stars). 2 submissions from 2 submitters: Uncertain significance (2). Last evaluated 2025-08-31.

Conditions:
Inborn genetic diseases. Identifiers: MedGen C0950123, MeSH D030342.

gnomAD v4.1: 3 of 1,601,628 alleles (0.00019%); highest among the groups gnomAD compares: Non-Finnish European, 0.00026%; no homozygotes.

Submissions (2):

Ambry Genetics
Classification: Uncertain significance for Inborn genetic diseases. Last evaluated: 2025-08-31. Review status: criteria provided, single submitter. Criteria: Ambry Variant Classification Scheme 2023. Collection method: clinical testing. Allele origin: germline.

Labcorp Genetics (formerly Invitae), Labcorp
Classification: Uncertain significance. Last evaluated: 2025-03-10. Review status: criteria provided, single submitter. Criteria: Invitae Variant Classification Sherloc (09022015). Collection method: clinical testing. Allele origin: germline.
Comment: This sequence change replaces glutamic acid, which is acidic and polar, with glycine, which is neutral and non-polar, at codon 1216 of the ANKRD26 protein (p.Glu1216Gly). This variant is not present in population databases (gnomAD no frequency). This variant has not been reported in the literature in individuals affected with ANKRD26-related conditions. ClinVar contains an entry for this variant (Variation ID: 3395119). An algorithm developed to predict the effect of missense changes on protein structure and function (PolyPhen-2) suggests that this variant is likely to be disruptive. In summary, the available evidence is currently insufficient to determine the role of this variant in disease. Therefore, it has been classified as a Variant of Uncertain Significance.

NM_014915.3(ANKRD26):c.3647A>G (p.Glu1216Gly)

Gene: ANKRD26 (ankyrin repeat domain 26; minus strand). Cytogenetic location: 10p12.1.
Variant type: single nucleotide variant.
Coding change: c.3647A>G on transcript NM_014915.3 (MANE Select); coding-DNA position 3647, A replaced by G.
Protein change: p.Glu1216Gly; replaces glutamic acid 1216 with glycine.
Molecular consequence: missense variant.
Genome position (GRCh38, 1-based): chr10:27,034,803, T>C on the plus strand (A>G on the coding strand, the complement: ANKRD26 is on the minus strand). VCF-style: chr10-27034803-T-C. GRCh37 (hg19) VCF-style: chr10-27323732-T-C.
Other names: c.3644A>G, p.Glu1215Gly (NM_001256053.2); short protein forms E1215G, E1216G.
Identifiers: ClinVar variation 3395119 (VCV003395119.4).